The following is an entry in ClinVar:

ClinVar aggregate classification (germline): Pathogenic. Review status: criteria provided, single submitter (1 of 4 stars). 2 submissions from 2 submitters: Pathogenic (1). 1 of the submissions does not count toward it. Last evaluated 2023-11-27.

Conditions:
PRPH2-related disorder. Also called: PRPH2-related disorders; PRPH2-related condition. Identifiers: MedGen CN239395.

Submissions (2):

Labcorp Genetics (formerly Invitae), Labcorp
Classification: Pathogenic for PRPH2-related disorder. Last evaluated: 2023-11-27. Review status: criteria provided, single submitter. Criteria: Invitae Variant Classification Sherloc (09022015). Collection method: clinical testing. Allele origin: germline.
Comment: This sequence change creates a premature translational stop signal (p.Tyr258*) in the PRPH2 gene. It is expected to result in an absent or disrupted protein product. Loss-of-function variants in PRPH2 are known to be pathogenic (PMID: 8111389, 8485575, 8485576, 8675410, 16916875, 17504850, 22863181, 25675413, 26061163, 27365499, 29555955, 33546218). This variant is not present in population databases (gnomAD no frequency). This premature translational stop signal has been observed in individual(s) with inherited retinal dystrophy (PMID: 29555955). ClinVar contains an entry for this variant (Variation ID: 1175302). For these reasons, this variant has been classified as Pathogenic.

Leiden Open Variation Database
Classification: Pathogenic. Last evaluated: 2021-04-06. Review status: no assertion criteria provided. Collection method: curation. Allele origin: germline. Affected: yes. Not counted in ClinVar's aggregate classification.
Comment: Curator: Global Variome, with Curator vacancy. Submitters to LOVD: LOVD, Manon Peeters.

Literature cited by the submitters: PubMed 8111389 (cited by Labcorp Genetics (formerly Invitae), Labcorp); PubMed 8485575 (cited by Labcorp Genetics (formerly Invitae), Labcorp); PubMed 8485576 (cited by Labcorp Genetics (formerly Invitae), Labcorp); PubMed 8675410 (cited by Labcorp Genetics (formerly Invitae), Labcorp); PubMed 16916875 (cited by Labcorp Genetics (formerly Invitae), Labcorp); PubMed 17504850 (cited by Labcorp Genetics (formerly Invitae), Labcorp); PubMed 22863181 (cited by Labcorp Genetics (formerly Invitae), Labcorp); PubMed 25675413 (cited by Labcorp Genetics (formerly Invitae), Labcorp); PubMed 26061163 (cited by Labcorp Genetics (formerly Invitae), Labcorp); PubMed 27365499 (cited by Labcorp Genetics (formerly Invitae), Labcorp); PubMed 29555955 (cited by Labcorp Genetics (formerly Invitae), Labcorp and Leiden Open Variation Database); PubMed 33546218 (cited by Labcorp Genetics (formerly Invitae), Labcorp); PubMed 9443872 (cited by Leiden Open Variation Database).

NM_000322.5(PRPH2):c.774C>G (p.Tyr258Ter)

Gene: PRPH2 (peripherin 2; minus strand). Cytogenetic location: 6p21.1.
Variant type: single nucleotide variant.
Coding change: c.774C>G on transcript NM_000322.5 (MANE Select); coding-DNA position 774, C replaced by G.
Protein change: p.Tyr258Ter; replaces tyrosine 258 with a stop codon.
Molecular consequence: nonsense.
Genome position (GRCh38, 1-based): chr6:42,704,419, G>C on the plus strand (C>G on the coding strand, the complement: PRPH2 is on the minus strand). VCF-style: chr6-42704419-G-C. GRCh37 (hg19) VCF-style: chr6-42672157-G-C.
Other names: short protein forms Y258*.
Identifiers: ClinVar variation 1175302 (VCV001175302.6), dbSNP rs121918564, ClinGen allele CA364134845.